The following is an entry in ClinVar:

ClinVar aggregate classification (germline): Uncertain significance (1 of 4 stars; one submission).

Submission:

Labcorp Genetics (formerly Invitae), Labcorp
Classification: Uncertain significance. Last evaluated: 2022-07-19. Review status: criteria provided, single submitter. Criteria: Invitae Variant Classification Sherloc (09022015). Collection method: clinical testing. Allele origin: germline.
Comment: This sequence change replaces lysine, which is basic and polar, with glutamic acid, which is acidic and polar, at codon 280 of the C5 protein (p.Lys280Glu). This variant is not present in population databases (gnomAD no frequency). In summary, the available evidence is currently insufficient to determine the role of this variant in disease. Therefore, it has been classified as a Variant of Uncertain Significance. Algorithms developed to predict the effect of missense changes on protein structure and function (SIFT, PolyPhen-2, Align-GVGD) all suggest that this variant is likely to be tolerated. This variant has not been reported in the literature in individuals affected with C5-related conditions.

NM_001735.3(C5):c.838A>G (p.Lys280Glu)

Gene: C5 (complement C5; minus strand). Cytogenetic location: 9q33.2.
Variant type: single nucleotide variant.
Coding change: c.838A>G on transcript NM_001735.3 (MANE Select); coding-DNA position 838, A replaced by G.
Protein change: p.Lys280Glu; replaces lysine 280 with glutamic acid.
Molecular consequence: missense variant.
Genome position (GRCh38, 1-based): chr9:121,027,195, T>C on the plus strand (A>G on the coding strand, the complement: C5 is on the minus strand). VCF-style: chr9-121027195-T-C. GRCh37 (hg19) VCF-style: chr9-123789473-T-C.
Other names: c.856A>G, p.Lys286Glu (NM_001317163.2); c.838A>G, p.Lys280Glu (NM_001317164.2); short protein forms K280E, K286E.
Identifiers: ClinVar variation 1718543 (VCV001718543.5), dbSNP rs2540441544, ClinGen allele CA374756421.